The following is an entry in ClinVar:

NM_001363711.2(DUOX2):c.2149G>C (p.Val717Leu)

Gene: DUOX2 (dual oxidase 2; minus strand). Cytogenetic location: 15q21.1.
Variant type: single nucleotide variant.
Coding change: c.2149G>C on transcript NM_001363711.2 (MANE Select); coding-DNA position 2149, G replaced by C.
Protein change: p.Val717Leu; replaces valine 717 with leucine.
Molecular consequence: missense variant.
Genome position (GRCh38, 1-based): chr15:45,105,828, C>G on the plus strand (G>C on the coding strand, the complement: DUOX2 is on the minus strand). VCF-style: chr15-45105828-C-G. GRCh37 (hg19) VCF-style: chr15-45398026-C-G.
Other names: NC_000015.9:g.45398026C>G; c.2149G>C, p.Val717Leu (NM_014080.5); short protein forms V717L.
Identifiers: ClinVar variation 1175864 (VCV001175864.37), dbSNP rs762337913, ClinGen allele CA7538342.

ClinVar aggregate classification (germline): Uncertain significance. Review status: criteria provided, multiple submitters, no conflicts (2 of 4 stars). 2 submissions from 2 submitters: Uncertain significance (2). Last evaluated 2025-09-30.

Allele frequency attached by ClinVar (database versions not stated): gnomAD 0.00002 and 0.00001; TOPMed 0.00002; gnomAD exomes below 0.00001; ExAC 0.00001.
gnomAD v4.1: 7 of 1,613,930 alleles (0.00043%); highest among the groups gnomAD compares: Non-Finnish European, 0.00051%; no homozygotes.

Submissions (3):

Labcorp Genetics (formerly Invitae), Labcorp
Classification: Uncertain significance. Last evaluated: 2025-09-30. Review status: criteria provided, single submitter. Criteria: Invitae Variant Classification Sherloc (09022015). Collection method: clinical testing. Allele origin: germline.
Comment: This sequence change replaces valine, which is neutral and non-polar, with leucine, which is neutral and non-polar, at codon 717 of the DUOX2 protein (p.Val717Leu). This variant is present in population databases (rs762337913, gnomAD 0.002%). This variant has not been reported in the literature in individuals affected with DUOX2-related conditions. ClinVar contains an entry for this variant (Variation ID: 1175864). An algorithm developed to predict the effect of missense changes on protein structure and function (PolyPhen-2) suggests that this variant is likely to be disruptive. Algorithms developed to predict the effect of sequence changes on RNA splicing suggest that this variant may disrupt the consensus splice site. In summary, the available evidence is currently insufficient to determine the role of this variant in disease. Therefore, it has been classified as a Variant of Uncertain Significance.

CeGaT Center for Human Genetics Tuebingen
Classification: Uncertain significance. Last evaluated: 2021-05-01. Review status: criteria provided, single submitter. Criteria: CeGaT Center For Human Genetics Tuebingen Variant Classification Criteria Version 2. Collection method: clinical testing. Allele origin: germline. Affected: yes. Observed: 1 variant allele.

Dr. Peter K. Rogan Lab, Western University
No classification provided (evidence only). Condition: Sarcoma. Review status: no classification provided. Collection method: in vitro. Allele origin: not applicable. Functional consequence: skipped exon. Not counted in ClinVar's aggregate classification.